The following is an entry in ClinVar:

ClinVar aggregate classification (germline): Likely benign (0 of 4 stars; one submission).

Conditions:
ESPL1-related disorder. Also called: ESPL1-related condition.

Allele frequency attached by ClinVar (database versions not stated): ExAC 0.00025; TOPMed 0.00027; gnomAD 0.00040; ESP Exome Variant Server 0.00069.
gnomAD v4.1: 829 of 1,611,310 alleles (0.051%); highest among the groups gnomAD compares: Non-Finnish European, 0.067%; no homozygotes.

Submission:

PreventionGenetics, part of Exact Sciences
Classification: Likely benign for ESPL1-related condition. Last evaluated: 2019-07-18. Review status: no assertion criteria provided. Collection method: clinical testing. Allele origin: germline.
Comment: This variant is classified as likely benign based on ACMG/AMP sequence variant interpretation guidelines (Richards et al. 2015 PMID: 25741868, with internal and published modifications).

NM_012291.5(ESPL1):c.6161+7C>T

Gene: ESPL1 (extra spindle pole bodies like 1, separase; plus strand). Cytogenetic location: 12q13.13.
Variant type: single nucleotide variant.
Coding change: c.6161+7C>T on transcript NM_012291.5 (MANE Select); 7 bases into the intron after coding-DNA position 6161, C replaced by T.
Molecular consequence: intron variant.
Genome position (GRCh38, 1-based): chr12:53,292,977, C>T. VCF-style: chr12-53292977-C-T. GRCh37 (hg19) VCF-style: chr12-53686761-C-T.
Identifiers: ClinVar variation 3050153 (VCV003050153.2), dbSNP rs371739040, ClinGen allele CA6598102.